The following is an entry in ClinVar:

NM_002691.4(POLD1):c.2012A>G (p.Lys671Arg)

Gene: POLD1 (DNA polymerase delta 1, catalytic subunit; plus strand). Cytogenetic location: 19q13.33.
Variant type: single nucleotide variant.
Coding change: c.2012A>G on transcript NM_002691.4 (MANE Select); coding-DNA position 2012, A replaced by G.
Protein change: p.Lys671Arg; replaces lysine 671 with arginine.
Molecular consequence: missense variant. On other transcripts: non-coding transcript variant (1).
Genome position (GRCh38, 1-based): chr19:50,409,524, A>G. VCF-style: chr19-50409524-A-G. GRCh37 (hg19) VCF-style: chr19-50912781-A-G.
Other names: c.2012A>G, p.Lys671Arg (NM_001256849.1); c.2090A>G, p.Lys697Arg (NM_001308632.1); c.2012A>G (NM_002691.2); short protein forms K671R, K697R.
Identifiers: ClinVar variation 938320 (VCV000938320.10), dbSNP rs1430515236, ClinGen allele CA406982446.

ClinVar aggregate classification (germline): Uncertain significance. Review status: criteria provided, multiple submitters, no conflicts (2 of 4 stars). 2 submissions from 2 submitters: Uncertain significance (2). Last evaluated 2025-02-08.

Conditions:
Hereditary cancer-predisposing syndrome. Also called: Hereditary neoplastic syndrome; Tumor predisposition; Neoplastic Syndromes, Hereditary; Hereditary Cancer Syndrome. Identifiers: Orphanet 140162, MedGen C0027672, MeSH D009386, MONDO:0015356.
POLD1-related polyposis and colorectal cancer syndrome (CRCS10). Also called: Colorectal cancer 10; COLORECTAL CANCER, SUSCEPTIBILITY TO, ON CHROMOSOME 19q; Colorectal cancer, susceptibility to, 10. Identifiers: Orphanet 220460, MedGen C2675481, MONDO:0012953, OMIM 612591.

Allele frequency attached by ClinVar (database versions not stated): TOPMed 0.00001.

Submissions (2):

Ambry Genetics
Classification: Uncertain significance for Hereditary cancer-predisposing syndrome. Last evaluated: 2025-02-08. Review status: criteria provided, single submitter. Criteria: Ambry Variant Classification Scheme 2023. Collection method: clinical testing. Allele origin: germline.
Comment: The p.K671R variant (also known as c.2012A>G), located in coding exon 16 of the POLD1 gene, results from an A to G substitution at nucleotide position 2012. The lysine at codon 671 is replaced by arginine, an amino acid with highly similar properties. This amino acid position is conserved. In addition, the in silico prediction for this alteration is inconclusive. Based on the available evidence, the clinical significance of this variant remains unclear.

Labcorp Genetics (formerly Invitae), Labcorp
Classification: Uncertain significance for POLD1-related polyposis and colorectal cancer syndrome. Last evaluated: 2024-03-16. Review status: criteria provided, single submitter. Criteria: Invitae Variant Classification Sherloc (09022015). Collection method: clinical testing. Allele origin: germline.
Comment: This sequence change replaces lysine, which is basic and polar, with arginine, which is basic and polar, at codon 671 of the POLD1 protein (p.Lys671Arg). This variant is not present in population databases (gnomAD no frequency). This variant has not been reported in the literature in individuals affected with POLD1-related conditions. ClinVar contains an entry for this variant (Variation ID: 938320). Advanced modeling of protein sequence and biophysical properties (such as structural, functional, and spatial information, amino acid conservation, physicochemical variation, residue mobility, and thermodynamic stability) performed at Invitae indicates that this missense variant is not expected to disrupt POLD1 protein function with a negative predictive value of 80%. In summary, the available evidence is currently insufficient to determine the role of this variant in disease. Therefore, it has been classified as a Variant of Uncertain Significance.